The following is an entry in ClinVar:

ClinVar aggregate classification (germline): Uncertain significance (1 of 4 stars; one submission).

Conditions:
Peroxisome biogenesis disorder. Identifiers: Orphanet 79189, MedGen C1832200, MONDO:0019234. Disease mechanism: loss of function.

Submission:

Labcorp Genetics (formerly Invitae), Labcorp
Classification: Uncertain significance for Peroxisome biogenesis disorder. Last evaluated: 2020-08-29. Review status: criteria provided, single submitter. Criteria: Invitae Variant Classification Sherloc (09022015). Collection method: clinical testing. Allele origin: germline.
Comment: In summary, the available evidence is currently insufficient to determine the role of this variant in disease. Therefore, it has been classified as a Variant of Uncertain Significance. Algorithms developed to predict the effect of missense changes on protein structure and function (SIFT, PolyPhen-2, Align-GVGD) all suggest that this variant is likely to be disruptive, but these predictions have not been confirmed by published functional studies and their clinical significance is uncertain. This variant has not been reported in the literature in individuals with PEX6-related conditions. This variant is not present in population databases (ExAC no frequency). This sequence change replaces alanine with threonine at codon 758 of the PEX6 protein (p.Ala758Thr). The alanine residue is highly conserved and there is a small physicochemical difference between alanine and threonine.

NM_000287.4(PEX6):c.2272G>A (p.Ala758Thr)

Gene: PEX6 (peroxisomal biogenesis factor 6; minus strand). Cytogenetic location: 6p21.1.
Variant type: single nucleotide variant.
Coding change: c.2272G>A on transcript NM_000287.4 (MANE Select); coding-DNA position 2272, G replaced by A.
Protein change: p.Ala758Thr; replaces alanine 758 with threonine.
Molecular consequence: missense variant.
Genome position (GRCh38, 1-based): chr6:42,966,270, C>T on the plus strand (G>A on the coding strand, the complement: PEX6 is on the minus strand). VCF-style: chr6-42966270-C-T. GRCh37 (hg19) VCF-style: chr6-42934008-C-T.
Other names: c.2008G>A, p.Ala670Thr (NM_001316313.2); short protein forms A670T, A758T.
Identifiers: ClinVar variation 1023591 (VCV001023591.9), dbSNP rs1769800975, ClinGen allele CA364152162.